The following is an entry in ClinVar:

ClinVar aggregate classification (germline): Uncertain significance (1 of 4 stars; one submission).

Submission:

Ambry Genetics
Classification: Uncertain significance. Last evaluated: 2024-12-08. Review status: criteria provided, single submitter. Criteria: Ambry Variant Classification Scheme 2023. Collection method: clinical testing. Allele origin: germline.
Comment: The p.E304K variant (also known as c.910G>A), located in coding exon 1 of the MC1R gene, results from a G to A substitution at nucleotide position 910. The glutamic acid at codon 304 is replaced by lysine, an amino acid with similar properties. This amino acid position is conserved. In addition, the in silico prediction for this alteration is inconclusive. Based on the available evidence, the clinical significance of this variant remains unclear.

NM_002386.4(MC1R):c.910G>A (p.Glu304Lys)

Gene: MC1R (melanocortin 1 receptor; plus strand). Cytogenetic location: 16q24.3.
Variant type: single nucleotide variant.
Coding change: c.910G>A on transcript NM_002386.4 (MANE Select); coding-DNA position 910, G replaced by A.
Protein change: p.Glu304Lys; replaces glutamic acid 304 with lysine.
Molecular consequence: missense variant.
Genome position (GRCh38, 1-based): chr16:89,920,168, G>A. VCF-style: chr16-89920168-G-A. GRCh37 (hg19) VCF-style: chr16-89986576-G-A.
Other names: short protein forms E304K.
Identifiers: ClinVar variation 3543996 (VCV003543996.1).